The following is an entry in ClinVar:

ClinVar aggregate classification (germline): Conflicting classifications of pathogenicity. Review status: criteria provided, conflicting classifications (1 of 4 stars). 5 submissions from 5 submitters: Uncertain significance (2); Likely benign (3). Last evaluated 2026-05-01.

Conditions:
Autoinflammatory syndrome. Identifiers: Orphanet 93665, MedGen C3890737, MONDO:0019751.
Pityriasis rubra pilaris (PRP). Also called: Pityriasis rubra pilaris--familial type. Identifiers: Orphanet 2897, MedGen C0032027, MONDO:0100017, OMIM 173200, MONDO:0008251.
Psoriasis 2. Identifiers: MedGen C1864497, MONDO:0011269, OMIM 602723.

Allele frequency attached by ClinVar (database versions not stated): ESP Exome Variant Server 0.00015; ExAC 0.00032; gnomAD exomes 0.00039; 1000 Genomes Project 0.00040; gnomAD 0.00044 and 0.00049; 1000 Genomes Project 30x 0.00047; TOPMed 0.00079.
gnomAD v4.1: 450 of 1,613,916 alleles (0.028%); highest among the groups gnomAD compares: Admixed American, 0.18%; no homozygotes.

Submissions (5):

Women's Health and Genetics/Laboratory Corporation of America, LabCorp
Classification: Likely benign. Last evaluated: 2026-05-01. Review status: criteria provided, single submitter. Criteria: LabCorp Variant Classification Summary - May 2015. Collection method: clinical testing. Allele origin: germline.

Labcorp Genetics (formerly Invitae), Labcorp
Classification: Likely benign for Pityriasis rubra pilaris; Psoriasis 2. Last evaluated: 2025-11-24. Review status: criteria provided, single submitter. Criteria: Invitae Variant Classification Sherloc (09022015). Collection method: clinical testing. Allele origin: germline.

Blueprint Genetics
Classification: Likely benign. Last evaluated: 2024-11-22. Review status: criteria provided, single submitter. Criteria: ACMG Guidelines, 2015. Collection method: clinical testing. Allele origin: germline.

Mayo Clinic Laboratories, Mayo Clinic
Classification: Uncertain significance. Last evaluated: 2024-03-19. Review status: criteria provided, single submitter. Criteria: ACMG Guidelines, 2015. Collection method: clinical testing. Allele origin: germline. Observed: 1 variant allele.
Comment: BP4

Genome Diagnostics Laboratory, The Hospital for Sick Children
Classification: Uncertain significance for Autoinflammatory syndrome. Last evaluated: 2017-01-04. Review status: criteria provided, single submitter. Criteria: ACMG Guidelines, 2015. Collection method: clinical testing. Allele origin: germline. Affected: yes.

Literature cited by the submitters: PubMed 36174714 (cited by Mayo Clinic Laboratories, Mayo Clinic).

NM_001366385.1(CARD14):c.1134C>G (p.Ser378Arg)

Gene: CARD14 (caspase recruitment domain family member 14; plus strand). Cytogenetic location: 17q25.3.
Variant type: single nucleotide variant.
Coding change: c.1134C>G on transcript NM_001366385.1 (MANE Select); coding-DNA position 1134, C replaced by G.
Protein change: p.Ser378Arg; replaces serine 378 with arginine.
Molecular consequence: missense variant. On other transcripts: non-coding transcript variant (1).
Genome position (GRCh38, 1-based): chr17:80,191,367, C>G. VCF-style: chr17-80191367-C-G. GRCh37 (hg19) VCF-style: chr17-78165166-C-G.
Other names: p.Ser378Arg; c.1134C>G, p.Ser378Arg (NM_024110.4, NM_001257970.1); c.423C>G, p.Ser141Arg (NM_052819.3); short protein forms S141R, S378R.
Identifiers: ClinVar variation 720890 (VCV000720890.17), dbSNP rs150536049, ClinGen allele CA8816687.